The following is an entry in ClinVar:

NM_032603.5(LOXL3):c.404C>A (p.Thr135Lys)

Genes: DOK1 (docking protein 1; plus strand), LOXL3 (lysyl oxidase like 3; minus strand). Cytogenetic location: 2p13.1.
Variant type: single nucleotide variant.
Coding change: c.404C>A on transcript NM_032603.5 (MANE Select); coding-DNA position 404, C replaced by A.
Protein change: p.Thr135Lys; replaces threonine 135 with lysine.
Molecular consequence: missense variant. On other transcripts: intron variant (1).
Genome position (GRCh38, 1-based): chr2:74,550,258, G>T on the plus strand (C>A on the coding strand, the complement: LOXL3 is on the minus strand). VCF-style: chr2-74550258-G-T. GRCh37 (hg19) VCF-style: chr2-74777385-G-T.
Other names: c.404C>A, p.Thr135Lys (NM_001289164.3); c.-358+1086G>T (NM_001197260.2); short protein forms T135K.
Identifiers: ClinVar variation 4767157 (VCV004767157.1).

ClinVar aggregate classification (germline): Uncertain significance (1 of 4 stars; one submission).

gnomAD v4.1: 2 of 1,614,040 alleles (0.00012%); highest among the groups gnomAD compares: African/African-American, 0.0013%; no homozygotes.

Submission:

Labcorp Genetics (formerly Invitae), Labcorp
Classification: Uncertain significance. Last evaluated: 2025-11-12. Review status: criteria provided, single submitter. Criteria: Invitae Variant Classification Sherloc (09022015). Collection method: clinical testing. Allele origin: germline.
Comment: This sequence change replaces threonine, which is neutral and polar, with lysine, which is basic and polar, at codon 135 of the LOXL3 protein (p.Thr135Lys). This variant is not present in population databases (gnomAD no frequency). This variant has not been reported in the literature in individuals affected with LOXL3-related conditions. An algorithm developed to predict the effect of missense changes on protein structure and function (PolyPhen-2) suggests that this variant is likely to be disruptive. In summary, the available evidence is currently insufficient to determine the role of this variant in disease. Therefore, it has been classified as a Variant of Uncertain Significance.